The following is an entry in ClinVar:

NM_002526.4(NT5E):c.76G>T (p.Ala26Ser)

Gene: NT5E (5'-nucleotidase ecto; plus strand). Cytogenetic location: 6q14.3.
Variant type: single nucleotide variant.
Coding change: c.76G>T on transcript NM_002526.4 (MANE Select); coding-DNA position 76, G replaced by T.
Protein change: p.Ala26Ser; replaces alanine 26 with serine.
Molecular consequence: missense variant.
Genome position (GRCh38, 1-based): chr6:85,450,215, G>T. VCF-style: chr6-85450215-G-T. GRCh37 (hg19) VCF-style: chr6-86159933-G-T.
Other names: c.76G>T, p.Ala26Ser (NM_001204813.2); short protein forms A26S.
Identifiers: ClinVar variation 727283 (VCV000727283.6), dbSNP rs201419844, ClinGen allele CA3911247.

ClinVar aggregate classification (germline): Likely benign. Review status: criteria provided, single submitter (1 of 4 stars). 2 submissions from 2 submitters: Likely benign (1). 1 of the submissions does not count toward it. Last evaluated 2019-12-31.

Conditions:
NT5E-related disorder. Also called: NT5E-related condition.

Allele frequency attached by ClinVar (database versions not stated): gnomAD exomes 0.00029; ExAC 0.00035; ESP Exome Variant Server 0.00128; gnomAD 0.00142 and 0.00150; TOPMed 0.00145; 1000 Genomes Project 0.00200; 1000 Genomes Project 30x 0.00203.
gnomAD v4.1: 421 of 1,608,790 alleles (0.026%); highest among the groups gnomAD compares: African/African-American, 0.52%; no homozygotes.

Submissions (2):

Labcorp Genetics (formerly Invitae), Labcorp
Classification: Likely benign. Last evaluated: 2019-12-31. Review status: criteria provided, single submitter. Criteria: Invitae Variant Classification Sherloc (09022015). Collection method: clinical testing. Allele origin: germline.

PreventionGenetics, part of Exact Sciences
Classification: Likely benign for NT5E-related condition. Last evaluated: 2023-08-31. Review status: no assertion criteria provided. Collection method: clinical testing. Allele origin: germline. Not counted in ClinVar's aggregate classification.
Comment: This variant is classified as likely benign based on ACMG/AMP sequence variant interpretation guidelines (Richards et al. 2015 PMID: 25741868, with internal and published modifications).